The following is an entry in ClinVar:

ClinVar aggregate classification (germline): Likely benign. Review status: criteria provided, multiple submitters, no conflicts (2 of 4 stars). 3 submissions from 3 submitters: Likely benign (2). 1 of the submissions does not count toward it. Last evaluated 2026-01-25.

Conditions:
VSX2-related disorder. Also called: VSX2-related condition.
Microphthalmia. Also called: Microphthalmos. Identifiers: MedGen C0026010, MONDO:0021129, HP:0000568.
Isolated microphthalmia 2. Identifiers: Orphanet 2542, MedGen C1864720, MONDO:0012409, OMIM 610093.

Allele frequency attached by ClinVar (database versions not stated): 1000 Genomes Project 0.00120; ExAC 0.00191; gnomAD exomes 0.00029 and 0.00060; ESP Exome Variant Server 0.00070; gnomAD 0.00078 and 0.00084; TOPMed 0.00086; 1000 Genomes Project 30x 0.00094.
gnomAD v4.1: 534 of 1,565,732 alleles (0.034%); highest among the groups gnomAD compares: South Asian, 0.35%; 3 homozygotes.

Submissions (3):

Labcorp Genetics (formerly Invitae), Labcorp
Classification: Likely benign for Isolated microphthalmia 2. Last evaluated: 2026-01-25. Review status: criteria provided, single submitter. Criteria: Invitae Variant Classification Sherloc (09022015). Collection method: clinical testing. Allele origin: germline.

PreventionGenetics, part of Exact Sciences
Classification: Likely benign for VSX2-related condition. Last evaluated: 2025-02-13. Review status: criteria provided, single submitter. Criteria: ACMG Guidelines, 2015. Collection method: clinical testing. Allele origin: germline.
Comment: This variant is classified as likely benign based on ACMG/AMP sequence variant interpretation guidelines (Richards et al. 2015 PMID: 25741868, with internal and published modifications).

Natera, Inc.
Classification: Uncertain significance for Microphthalmia. Last evaluated: 2020-04-17. Review status: no assertion criteria provided. Collection method: clinical testing. Allele origin: germline. Not counted in ClinVar's aggregate classification.

NM_182894.3(VSX2):c.1046C>T (p.Ala349Val)

Gene: VSX2 (visual system homeobox 2; plus strand). Cytogenetic location: 14q24.3.
Variant type: single nucleotide variant.
Coding change: c.1046C>T on transcript NM_182894.3 (MANE Select); coding-DNA position 1046, C replaced by T.
Protein change: p.Ala349Val; replaces alanine 349 with valine.
Molecular consequence: missense variant.
Genome position (GRCh38, 1-based): chr14:74,260,879, C>T. VCF-style: chr14-74260879-C-T. GRCh37 (hg19) VCF-style: chr14-74727582-C-T.
Other names: short protein forms A349V.
Identifiers: ClinVar variation 705899 (VCV000705899.13), dbSNP rs137872696, ClinGen allele CA7266521.